The following is an entry in ClinVar:

NM_000587.4(C7):c.1635C>A (p.Cys545Ter)

Gene: C7 (complement C7; plus strand). Cytogenetic location: 5p13.1.
Variant type: single nucleotide variant.
Coding change: c.1635C>A on transcript NM_000587.4 (MANE Select); coding-DNA position 1635, C replaced by A.
Protein change: p.Cys545Ter; replaces cysteine 545 with a stop codon.
Molecular consequence: nonsense.
Genome position (GRCh38, 1-based): chr5:40,959,594, C>A. VCF-style: chr5-40959594-C-A. GRCh37 (hg19) VCF-style: chr5-40959696-C-A.
Other names: short protein forms C545*.
Identifiers: ClinVar variation 4699936 (VCV004699936.1).

ClinVar aggregate classification (germline): Pathogenic (1 of 4 stars; one submission).

gnomAD v4.1: 4 of 1,603,378 alleles (0.00025%); highest among the groups gnomAD compares: Non-Finnish European, 0.00034%; no homozygotes.

Submission:

Labcorp Genetics (formerly Invitae), Labcorp
Classification: Pathogenic. Last evaluated: 2025-07-31. Review status: criteria provided, single submitter. Criteria: Invitae Variant Classification Sherloc (09022015). Collection method: clinical testing. Allele origin: germline.
Comment: This sequence change creates a premature translational stop signal (p.Cys545*) in the C7 gene. It is expected to result in an absent or disrupted protein product. Loss-of-function variants in C7 are known to be pathogenic (PMID: 9856499, 17407100). This variant is not present in population databases (gnomAD no frequency). This variant has not been reported in the literature in individuals affected with C7-related conditions. For these reasons, this variant has been classified as Pathogenic.

Literature cited by the submitters: PubMed 9856499; PubMed 17407100.